The following is an entry in ClinVar:

ClinVar aggregate classification (germline): Uncertain significance (1 of 4 stars; one submission).

Conditions:
TET3-related disorder. Also called: TET3-related condition; TET3-Related Disease.

gnomAD v4.1: 1 of 1,608,914 alleles (0.000062%); highest among the groups gnomAD compares: Non-Finnish European, 0.000085%; no homozygotes.

Submission:

PreventionGenetics, part of Exact Sciences
Classification: Uncertain significance for TET3-related condition. Last evaluated: 2026-01-12. Review status: criteria provided, single submitter. Criteria: ACMG Guidelines, 2015. Collection method: clinical testing. Allele origin: germline.
Comment: The TET3 c.2096C>T variant is predicted to result in the amino acid substitution p.Pro699Leu. To our knowledge, this variant has not been reported in the literature or in a large population database (gnomAD), indicating this variant is rare. At this time, the clinical significance of this variant is uncertain due to the absence of conclusive functional and genetic evidence.

NM_001287491.2(TET3):c.2096C>T (p.Pro699Leu)

Gene: TET3 (tet methylcytosine dioxygenase 3; plus strand). Cytogenetic location: 2p13.1.
Variant type: single nucleotide variant.
Coding change: c.2096C>T on transcript NM_001287491.2 (MANE Select); coding-DNA position 2096, C replaced by T.
Protein change: p.Pro699Leu; replaces proline 699 with leucine.
Molecular consequence: missense variant.
Genome position (GRCh38, 1-based): chr2:74,048,013, C>T. VCF-style: chr2-74048013-C-T. GRCh37 (hg19) VCF-style: chr2-74275140-C-T.
Other names: c.1817C>T, p.Pro606Leu (NM_001366022.1); c.1691C>T, p.Pro564Leu (NM_144993.1); short protein forms P564L, P606L, P699L.
Identifiers: ClinVar variation 2629630 (VCV002629630.2), dbSNP rs1434798261, ClinGen allele CA347329864.